The following is an entry in ClinVar:

ClinVar aggregate classification (germline): Uncertain significance. Review status: criteria provided, multiple submitters, no conflicts (2 of 4 stars). 2 submissions from 2 submitters: Uncertain significance (2). Last evaluated 2024-04-16.

Allele frequency attached by ClinVar (database versions not stated): gnomAD 0.00001; gnomAD exomes 0.00001; TOPMed 0.00001.
gnomAD v4.1: 17 of 1,610,532 alleles (0.0011%); highest among the groups gnomAD compares: Non-Finnish European, 0.0014%; no homozygotes.

Submissions (2):

Labcorp Genetics (formerly Invitae), Labcorp
Classification: Uncertain significance. Last evaluated: 2024-04-16. Review status: criteria provided, single submitter. Criteria: Invitae Variant Classification Sherloc (09022015). Collection method: clinical testing. Allele origin: germline.
Comment: This sequence change replaces serine, which is neutral and polar, with asparagine, which is neutral and polar, at codon 199 of the ABRAXAS1 protein (p.Ser199Asn). This variant also falls at the last nucleotide of exon 6, which is part of the consensus splice site for this exon. This variant is not present in population databases (gnomAD no frequency). This variant has not been reported in the literature in individuals affected with ABRAXAS1-related conditions. ClinVar contains an entry for this variant (Variation ID: 411322). An algorithm developed to predict the effect of missense changes on protein structure and function (PolyPhen-2) suggests that this variant is likely to be tolerated. Variants that disrupt the consensus splice site are a relatively common cause of aberrant splicing (PMID: 17576681, 9536098). Algorithms developed to predict the effect of sequence changes on RNA splicing suggest that this variant may disrupt the consensus splice site. In summary, the available evidence is currently insufficient to determine the role of this variant in disease. Therefore, it has been classified as a Variant of Uncertain Significance.

Breakthrough Genomics
Classification: Uncertain significance. Review status: criteria provided, single submitter. Criteria: ACMG Guidelines, 2015. Collection method: not provided. Allele origin: germline. Inheritance: Unknown mechanism. Affected: yes.

Literature cited by the submitters: PubMed 17576681 (cited by Labcorp Genetics (formerly Invitae), Labcorp); PubMed 9536098 (cited by Labcorp Genetics (formerly Invitae), Labcorp).

NM_139076.3(ABRAXAS1):c.596G>A (p.Ser199Asn)

Gene: ABRAXAS1 (abraxas 1, BRCA1 A complex subunit; minus strand). Cytogenetic location: 4q21.23.
Variant type: single nucleotide variant.
Coding change: c.596G>A on transcript NM_139076.3 (MANE Select); coding-DNA position 596, G replaced by A.
Protein change: p.Ser199Asn; replaces serine 199 with asparagine.
Molecular consequence: missense variant.
Genome position (GRCh38, 1-based): chr4:83,469,032, C>T on the plus strand (G>A on the coding strand, the complement: ABRAXAS1 is on the minus strand). VCF-style: chr4-83469032-C-T. GRCh37 (hg19) VCF-style: chr4-84390185-C-T.
Other names: c.269G>A, p.Ser90Asn (NM_001345962.2); short protein forms S199N, S90N.
Identifiers: ClinVar variation 411322 (VCV000411322.11), dbSNP rs1060503253, ClinGen allele CA16611627.
Genomic context (GRCh38, chr4:83,469,032, plus strand): 5'-AATAAGAAAATTAATTTCAAAGATGAATAGAAGTTTTGTGAGAAAGCAGTTGAATCTTAC[C>T]TGTGTGTTTGTACTGCTCGGCTAAAACCAGTGGACATACAGGAACCTGATACAGTTTTAT-3'
Protein context (NP_620775.2, residues 189-209): TGFSRAVQTH[Ser199Asn]SKFFEEDGSL